The following is an entry in ClinVar:

ClinVar aggregate classification (germline): Likely benign (1 of 4 stars; one submission).

Conditions:
Ehlers-Danlos syndrome, type 4 (EDSVASC). Also called: Ehlers-Danlos syndrome vascular type; Ehlers Danlos syndrome, ecchymotic type; Ehlers Danlos syndrome, arterial type; Ehlers Danlos syndrome, Sack-Barabas type; Ehlers-Danlos Syndrome Type IV. Identifiers: Orphanet 286, MedGen C0268338, MONDO:0017314, OMIM 130050.

Submission:

All of Us Research Program, National Institutes of Health
Classification: Likely benign for Ehlers-Danlos syndrome, type 4. Last evaluated: 2024-04-16. Review status: criteria provided, single submitter. Criteria: ACMG Guidelines, 2015. Collection method: clinical testing. Allele origin: germline. Inheritance: Autosomal dominant inheritance. Observed: 1 variant allele, 1 heterozygote.
Comment: This study involves interpretation of variants in research participants for the purpose of population health screening. Participant phenotype was not available at the time of variant classification. Additional details can be found in publication PMID: 35346344, PMCID: PMC8962531

NM_000090.4(COL3A1):c.231A>G (p.Pro77=)

Gene: COL3A1 (collagen type III alpha 1 chain; plus strand). Cytogenetic location: 2q32.2.
Variant type: single nucleotide variant.
Coding change: c.231A>G on transcript NM_000090.4 (MANE Select); coding-DNA position 231, A replaced by G.
Protein change: p.Pro77=; no amino-acid change (proline 77 retained).
Molecular consequence: synonymous variant.
Genome position (GRCh38, 1-based): chr2:188,984,911, A>G. VCF-style: chr2-188984911-A-G. GRCh37 (hg19) VCF-style: chr2-189849637-A-G.
Identifiers: ClinVar variation 3386427 (VCV003386427.1).